The following is an entry in ClinVar:

ClinVar aggregate classification (germline): Uncertain significance. Review status: criteria provided, multiple submitters, no conflicts (2 of 4 stars). 2 submissions from 2 submitters: Uncertain significance (2). Last evaluated 2025-05-19.

Conditions:
Autosomal dominant epilepsy with auditory features. Identifiers: Orphanet 101046, MedGen C1838062, MONDO:0010898.

Allele frequency attached by ClinVar (database versions not stated): gnomAD below 0.00001 and 0.00001; TOPMed below 0.00001; gnomAD exomes 0.00001.
gnomAD v4.1: 8 of 1,613,676 alleles (0.0005%); highest among the groups gnomAD compares: South Asian, 0.0011%; no homozygotes.

Submissions (2):

Revvity Omics, Revvity
Classification: Uncertain significance. Last evaluated: 2025-05-19. Review status: criteria provided, single submitter. Criteria: ACMG Guidelines, 2015. Collection method: clinical testing. Allele origin: germline.

Labcorp Genetics (formerly Invitae), Labcorp
Classification: Uncertain significance for Autosomal dominant epilepsy with auditory features. Last evaluated: 2025-01-07. Review status: criteria provided, single submitter. Criteria: Invitae Variant Classification Sherloc (09022015). Collection method: clinical testing. Allele origin: germline.
Comment: This sequence change replaces arginine, which is basic and polar, with glutamine, which is neutral and polar, at codon 273 of the LGI1 protein (p.Arg273Gln). This variant is not present in population databases (gnomAD no frequency). This missense change has been observed in individual(s) with Rubenstein-Taybi syndrome and/or epilepsy (PMID: 29133209). ClinVar contains an entry for this variant (Variation ID: 301656). Invitae Evidence Modeling of protein sequence and biophysical properties (such as structural, functional, and spatial information, amino acid conservation, physicochemical variation, residue mobility, and thermodynamic stability) indicates that this missense variant is not expected to disrupt LGI1 protein function with a negative predictive value of 80%. In summary, the available evidence is currently insufficient to determine the role of this variant in disease. Therefore, it has been classified as a Variant of Uncertain Significance.

Literature cited by the submitters: PubMed 29133209 (cited by Labcorp Genetics (formerly Invitae), Labcorp).

NM_005097.4(LGI1):c.818G>A (p.Arg273Gln)

Gene: LGI1 (leucine rich glioma inactivated 1; plus strand). Cytogenetic location: 10q23.33.
Variant type: single nucleotide variant.
Coding change: c.818G>A on transcript NM_005097.4 (MANE Select); coding-DNA position 818, G replaced by A.
Protein change: p.Arg273Gln; replaces arginine 273 with glutamine.
Molecular consequence: missense variant. On other transcripts: non-coding transcript variant (1).
Genome position (GRCh38, 1-based): chr10:93,793,330, G>A. VCF-style: chr10-93793330-G-A. GRCh37 (hg19) VCF-style: chr10-95553087-G-A.
Other names: c.818G>A, p.Arg273Gln (NM_001308275.2); c.674G>A, p.Arg225Gln (NM_001308276.2); short protein forms R273Q, R225Q.
Identifiers: ClinVar variation 301656 (VCV000301656.14), dbSNP rs750249658, ClinGen allele CA10636930.